The following is an entry in ClinVar:

NM_000138.5(FBN1):c.2434G>T (p.Glu812Ter)

Gene: FBN1 (fibrillin 1; minus strand). Cytogenetic location: 15q21.1.
Variant type: single nucleotide variant.
Coding change: c.2434G>T on transcript NM_000138.5 (MANE Select); coding-DNA position 2434, G replaced by T.
Protein change: p.Glu812Ter; replaces glutamic acid 812 with a stop codon.
Molecular consequence: nonsense.
Genome position (GRCh38, 1-based): chr15:48,495,574, C>A on the plus strand (G>T on the coding strand, the complement: FBN1 is on the minus strand). VCF-style: chr15-48495574-C-A. GRCh37 (hg19) VCF-style: chr15-48787771-C-A.
Other names: short protein forms E812*.
Identifiers: ClinVar variation 549083 (VCV000549083.2), dbSNP rs201778577, ClinGen allele CA392334801.

ClinVar aggregate classification (germline): Pathogenic. Review status: criteria provided, single submitter (1 of 4 stars). 2 submissions from 2 submitters: Pathogenic (1). 1 of the submissions does not count toward it. Last evaluated 2025-04-03.

Conditions:
Marfan syndrome (MFS). Also called: Marfan syndrome type 1; Marfan syndrome, classic; Marfan's syndrome; FBN1-Related Marfan Syndrome; MARFAN SYNDROME, TYPE I. Identifiers: Orphanet 284963, Orphanet 558, MedGen C0024796, MONDO:0007947, OMIM 154700.

Submissions (2):

3billion
Classification: Pathogenic for Marfan syndrome. Last evaluated: 2025-04-03. Review status: criteria provided, single submitter. Criteria: ACMG Guidelines, 2015. Collection method: clinical testing. Allele origin: germline. Affected: yes.
Comment: The variant is not observed in the gnomAD v4.1.0 dataset. Predicted Consequence/Location: Stop-gained (nonsense): predicted to result in a loss or disruption of normal protein function through nonsense-mediated decay (NMD) or protein truncation. Multiple pathogenic variants are reported downstream of the variant. The variant has been reported to be associated with FBN1-related disorder (ClinVar ID: VCV000549083 / PMID: 27906200). Therefore, this variant is classified as Pathogenic according to the recommendation of ACMG/AMP guideline.

Center for Medical Genetics Ghent, University of Ghent
Classification: Pathogenic for Marfan syndrome. Last evaluated: 2017-11-07. Review status: no assertion criteria provided. Collection method: clinical testing. Allele origin: de novo. Affected: yes. Not counted in ClinVar's aggregate classification.

Literature cited by the submitters: PubMed 27906200 (cited by 3billion).